The following is an entry in ClinVar:

ClinVar aggregate classification (germline): Uncertain significance (1 of 4 stars; one submission).

Conditions:
Inborn genetic diseases. Identifiers: MedGen C0950123, MeSH D030342.

Submission:

Ambry Genetics
Classification: Uncertain significance for Inborn genetic diseases. Last evaluated: 2025-03-19. Review status: criteria provided, single submitter. Criteria: Ambry Variant Classification Scheme 2023. Collection method: clinical testing. Allele origin: germline.
Comment: The c.881_898del18 (p.Y294_L299del) alteration, located in exon 5 (coding exon 4) of the ACTB gene, results from an in-frame deletion of 18 nucleotides at positions c.881 to c.898. This results in the deletion of 6 amino acids between codons 294 and 299. This variant was not reported in population-based cohorts in the Genome Aggregation Database (gnomAD). These amino acid positions are highly conserved in available vertebrate species. This alteration is predicted to be deleterious by in silico analysis (Choi, 2012). Based on insufficient or conflicting evidence, the clinical significance of this alteration remains unclear.

NM_001101.5(ACTB):c.881_898del (p.Tyr294_Leu299del)

Gene: ACTB (actin beta; minus strand). Cytogenetic location: 7p22.1.
Variant type: Deletion.
Coding change: c.881_898del on transcript NM_001101.5 (MANE Select); coding-DNA positions 881 to 898, 18 bases deleted (ACGCCAACACAGTGCTGT).
Protein change: p.Tyr294_Leu299del.
Molecular consequence: inframe indel (on NM_001101.3).
Genome position (GRCh38, 1-based): chr7:5,528,090-5,528,107, ACAGCACTGTGTTGGCGT deleted on the plus strand (ACGCCAACACAGTGCTGT on the coding strand, the reverse complement: ACTB is on the minus strand); deleting any 18 consecutive bases within chr7:5,528,090-5,528,111 gives the same sequence; the c. name uses the placement nearest the transcript's 3' end. VCF-style (leftmost placement, unchanged base first): chr7-5528089-GACAGCACTGTGTTGGCGT-G. GRCh37 (hg19) VCF-style: chr7-5567720-GACAGCACTGTGTTGGCGT-G.
Other names: c.881_898del18 (NM_001101.3).
Identifiers: ClinVar variation 4001521 (VCV004001521.1).